The following is an entry in ClinVar:

NM_001042432.2(CLN3):c.47-11C>A

Gene: CLN3 (CLN3 lysosomal/endosomal transmembrane protein, battenin; minus strand). Cytogenetic location: 16p12.1.
Variant type: single nucleotide variant.
Coding change: c.47-11C>A on transcript NM_001042432.2 (MANE Select); 11 bases into the intron before coding-DNA position 47, C replaced by A.
Molecular consequence: intron variant.
Genome position (GRCh38, 1-based): chr16:28,491,571, G>T on the plus strand (C>A on the coding strand, the complement: CLN3 is on the minus strand). VCF-style: chr16-28491571-G-T. GRCh37 (hg19) VCF-style: chr16-28502892-G-T.
Other names: c.-38+143C>A (NM_001286109.2, NM_001286110.2); c.47-11C>A (NM_001286104.2, NM_000086.2); c.-96+143C>A (NM_001286105.2).
Identifiers: ClinVar variation 385388 (VCV000385388.6), dbSNP rs561083322, ClinGen allele CA7981092.

ClinVar aggregate classification (germline): Conflicting classifications of pathogenicity. Review status: criteria provided, conflicting classifications (1 of 4 stars). 2 submissions from 2 submitters: Uncertain significance (1); Likely benign (1). Last evaluated 2022-02-28.

Conditions:
Neuronal ceroid lipofuscinosis. Also called: Neuronal Ceroid Lipofuscinoses. Identifiers: Orphanet 216, Orphanet 79263, MedGen C0027877, MONDO:0016295. Disease mechanism: loss of function.

Allele frequency attached by ClinVar (database versions not stated): TOPMed below 0.00001; gnomAD 0.00001; gnomAD exomes 0.00001; ExAC 0.00003; 1000 Genomes Project 0.00020; 1000 Genomes Project 30x 0.00031.
gnomAD v4.1: 16 of 1,614,028 alleles (0.00099%); highest among the groups gnomAD compares: South Asian, 0.015%; no homozygotes.

Submissions (3):

Labcorp Genetics (formerly Invitae), Labcorp
Classification: Uncertain significance for Neuronal ceroid lipofuscinosis. Last evaluated: 2022-02-28. Review status: criteria provided, single submitter. Criteria: Invitae Variant Classification Sherloc (09022015). Collection method: clinical testing. Allele origin: germline.
Comment: This sequence change falls in intron 2 of the CLN3 gene. It does not directly change the encoded amino acid sequence of the CLN3 protein. This variant is present in population databases (rs561083322, gnomAD 0.01%). This variant has not been reported in the literature in individuals affected with CLN3-related conditions. ClinVar contains an entry for this variant (Variation ID: 385388). Algorithms developed to predict the effect of sequence changes on RNA splicing suggest that this variant may disrupt the consensus splice site. In summary, the available evidence is currently insufficient to determine the role of this variant in disease. Therefore, it has been classified as a Variant of Uncertain Significance.

GeneDx
Classification: Likely benign. Last evaluated: 2020-05-26. Review status: criteria provided, single submitter. Criteria: GeneDx Variant Classification Process June 2021. Collection method: clinical testing. Allele origin: germline. Affected: yes.

Dr. Peter K. Rogan Lab, Western University
No classification provided (evidence only). Condition: Thyroid cancer, nonmedullary, 1. Review status: no classification provided. Collection method: in vitro. Allele origin: not applicable. Functional consequence: retained intron. Not counted in ClinVar's aggregate classification.